The following is an entry in ClinVar:

ClinVar aggregate classification (germline): Conflicting classifications of pathogenicity. Review status: criteria provided, conflicting classifications (1 of 4 stars). 3 submissions from 3 submitters: Uncertain significance (2); Likely benign (1). Last evaluated 2024-11-25.

Conditions:
Cardiovascular phenotype. Identifiers: MedGen CN230736.
Long QT syndrome (LQTS). Identifiers: MedGen C0023976, MeSH D008133, MONDO:0002442. Disease mechanism: loss of function. Inheritance: Various modes of inheritance.

gnomAD v4.1: 1 of 1,613,712 alleles (0.000062%); highest among the groups gnomAD compares: Non-Finnish European, 0.000085%; no homozygotes.

Submissions (3):

Labcorp Genetics (formerly Invitae), Labcorp
Classification: Likely benign for Long QT syndrome. Last evaluated: 2024-11-25. Review status: criteria provided, single submitter. Criteria: Invitae Variant Classification Sherloc (09022015). Collection method: clinical testing. Allele origin: germline.

All of Us Research Program, National Institutes of Health
Classification: Uncertain significance for Long QT syndrome. Last evaluated: 2023-06-26. Review status: criteria provided, single submitter. Criteria: ACMG Guidelines, 2015. Collection method: clinical testing. Allele origin: germline. Inheritance: Autosomal dominant inheritance. Observed: 2 variant alleles, 2 heterozygotes.
Comment: This variant is located in the KCNH2 protein. To our knowledge, functional studies have not been reported for this variant. This variant has not been reported in individuals affected with KCNH2-related disorders in the literature. This variant has not been identified in the general population by the Genome Aggregation Database (gnomAD). The available evidence is insufficient to determine the role of this variant in disease conclusively. Therefore, this variant is classified as a Variant of Uncertain Significance.

This study involves interpretation of variants in research participants for the purpose of population health screening. Participant phenotype was not available at the time of variant classification. Additional details can be found in publication PMID: 35346344, PMCID: PMC8962531

Ambry Genetics
Classification: Uncertain significance for Cardiovascular phenotype. Last evaluated: 2021-08-18. Review status: criteria provided, single submitter. Criteria: Ambry Variant Classification Scheme 2023. Collection method: clinical testing. Allele origin: germline.
Comment: The c.2607G>T variant (also known as p.P869P), located in coding exon 11 of the KCNH2 gene, results from a G to T substitution at nucleotide position 2607. This nucleotide substitution does not change the amino acid at codon 869. This nucleotide position is poorly conserved in available vertebrate species. In silico splice site analysis for this alteration is inconclusive. Since supporting evidence is limited at this time, the clinical significance of this alteration remains unclear.

NM_000238.4(KCNH2):c.2607G>T (p.Pro869=)

Gene: KCNH2 (potassium voltage-gated channel subfamily H member 2; minus strand). Cytogenetic location: 7q36.1.
Variant type: single nucleotide variant.
Coding change: c.2607G>T on transcript NM_000238.4 (MANE Select); coding-DNA position 2607, G replaced by T.
Protein change: p.Pro869=; no amino-acid change (proline 869 retained).
Molecular consequence: synonymous variant.
Genome position (GRCh38, 1-based): chr7:150,948,529, C>A on the plus strand (G>T on the coding strand, the complement: KCNH2 is on the minus strand). VCF-style: chr7-150948529-C-A. GRCh37 (hg19) VCF-style: chr7-150645617-C-A.
Other names: c.1587G>T, p.Pro529= (NM_172057.3).
Identifiers: ClinVar variation 1532979 (VCV001532979.11), dbSNP rs199828796, ClinGen allele CA458645033.